The following is an entry in ClinVar:

ClinVar aggregate classification (germline): Uncertain significance. Review status: criteria provided, multiple submitters, no conflicts (2 of 4 stars). 2 submissions from 2 submitters: Uncertain significance (2). Last evaluated 2024-11-21.

Conditions:
Inborn genetic diseases. Identifiers: MedGen C0950123, MeSH D030342.

Submissions (2):

Ambry Genetics
Classification: Uncertain significance for Inborn genetic diseases. Last evaluated: 2024-11-21. Review status: criteria provided, single submitter. Criteria: Ambry Variant Classification Scheme 2023. Collection method: clinical testing. Allele origin: germline.

Labcorp Genetics (formerly Invitae), Labcorp
Classification: Uncertain significance. Last evaluated: 2024-11-05. Review status: criteria provided, single submitter. Criteria: Invitae Variant Classification Sherloc (09022015). Collection method: clinical testing. Allele origin: germline.
Comment: This sequence change replaces glycine, which is neutral and non-polar, with alanine, which is neutral and non-polar, at codon 4 of the COL27A1 protein (p.Gly4Ala). This variant is not present in population databases (gnomAD no frequency). This variant has not been reported in the literature in individuals affected with COL27A1-related conditions. ClinVar contains an entry for this variant (Variation ID: 1449728). Invitae Evidence Modeling of protein sequence and biophysical properties (such as structural, functional, and spatial information, amino acid conservation, physicochemical variation, residue mobility, and thermodynamic stability) indicates that this missense variant is not expected to disrupt COL27A1 protein function with a negative predictive value of 95%. In summary, the available evidence is currently insufficient to determine the role of this variant in disease. Therefore, it has been classified as a Variant of Uncertain Significance.

NM_032888.4(COL27A1):c.11G>C (p.Gly4Ala)

Gene: COL27A1 (collagen type XXVII alpha 1 chain; plus strand). Cytogenetic location: 9q32.
Variant type: single nucleotide variant.
Coding change: c.11G>C on transcript NM_032888.4 (MANE Select); coding-DNA position 11, G replaced by C.
Protein change: p.Gly4Ala; replaces glycine 4 with alanine.
Molecular consequence: missense variant.
Genome position (GRCh38, 1-based): chr9:114,155,961, G>C. VCF-style: chr9-114155961-G-C. GRCh37 (hg19) VCF-style: chr9-116918241-G-C.
Other names: c.11G>C (NM_032888.2); short protein forms G4A.
Identifiers: ClinVar variation 1449728 (VCV001449728.8), dbSNP rs1848091276, ClinGen allele CA374586722.